The following is an entry in ClinVar:

ClinVar aggregate classification (germline): Uncertain significance. Review status: criteria provided, multiple submitters, no conflicts (2 of 4 stars). 2 submissions from 2 submitters: Uncertain significance (2). Last evaluated 2025-08-01.

Conditions:
Inborn genetic diseases. Identifiers: MedGen C0950123, MeSH D030342.

gnomAD v4.1: 1 of 1,614,042 alleles (0.000062%); no homozygotes.

Submissions (2):

GeneDx
Classification: Uncertain significance. Last evaluated: 2025-08-01. Review status: criteria provided, single submitter. Criteria: GeneDx Variant Classification Process June 2021. Collection method: clinical testing. Allele origin: germline. Affected: yes.
Comment: Not observed at significant frequency in large population cohorts (gnomAD); In silico analysis suggests that this missense variant does not alter protein structure/function; Has not been previously published as pathogenic or benign to our knowledge

Ambry Genetics
Classification: Uncertain significance for Inborn genetic diseases. Last evaluated: 2025-05-16. Review status: criteria provided, single submitter. Criteria: Ambry Variant Classification Scheme 2023. Collection method: clinical testing. Allele origin: germline.

NM_017791.3(FLVCR2):c.742T>C (p.Tyr248His)

Gene: FLVCR2 (FLVCR choline and putative heme transporter 2; plus strand). Cytogenetic location: 14q24.3.
Variant type: single nucleotide variant.
Coding change: c.742T>C on transcript NM_017791.3 (MANE Select); coding-DNA position 742, T replaced by C.
Protein change: p.Tyr248His; replaces tyrosine 248 with histidine.
Molecular consequence: missense variant.
Genome position (GRCh38, 1-based): chr14:75,622,151, T>C. VCF-style: chr14-75622151-T-C. GRCh37 (hg19) VCF-style: chr14-76088494-T-C.
Other names: c.127T>C, p.Tyr43His (NM_001195283.2); short protein forms Y248H, Y43H.
Identifiers: ClinVar variation 4025747 (VCV004025747.2).